The following is an entry in ClinVar:

ClinVar aggregate classification (germline): Likely benign. Review status: criteria provided, multiple submitters, no conflicts (2 of 4 stars). 5 submissions from 5 submitters: Likely benign (5). Last evaluated 2025-12-08.

Conditions:
Alstrom syndrome (ALMS). Identifiers: Orphanet 64, MedGen C0268425, MONDO:0008763, OMIM 203800.
Cardiovascular phenotype. Identifiers: MedGen CN230736.

Allele frequency attached by ClinVar (database versions not stated): TOPMed 0.00001; ESP Exome Variant Server 0.00008; 1000 Genomes Project 30x 0.00031.
gnomAD v4.1: 7 of 1,614,226 alleles (0.00043%); highest among the groups gnomAD compares: East Asian, 0.0022%; no homozygotes.

Submissions (5):

Labcorp Genetics (formerly Invitae), Labcorp
Classification: Likely benign for Alstrom syndrome. Last evaluated: 2025-12-08. Review status: criteria provided, single submitter. Criteria: Invitae Variant Classification Sherloc (09022015). Collection method: clinical testing. Allele origin: germline.

Ambry Genetics
Classification: Likely benign for Cardiovascular phenotype. Last evaluated: 2023-10-26. Review status: criteria provided, single submitter. Criteria: Ambry Variant Classification Scheme 2023. Collection method: clinical testing. Allele origin: germline.

Women's Health and Genetics/Laboratory Corporation of America, LabCorp
Classification: Likely benign. Last evaluated: 2021-01-28. Review status: criteria provided, single submitter. Criteria: LabCorp Variant Classification Summary - May 2015. Collection method: clinical testing. Allele origin: germline.

GeneDx
Classification: Likely benign. Last evaluated: 2020-07-22. Review status: criteria provided, single submitter. Criteria: GeneDx Variant Classification Process June 2021. Collection method: clinical testing. Allele origin: germline. Affected: yes.

Laboratory for Molecular Medicine, Mass General Brigham Personalized Medicine
Classification: Likely benign. Last evaluated: 2017-08-23. Review status: criteria provided, single submitter. Criteria: LMM Criteria. Collection method: clinical testing. Allele origin: germline. Observed: 1 variant allele.
Comment: p.Ala4077Ala in exon 20 of ALMS1: This variant is not expected to have clinical significance because it does not alter an amino acid residue and is not located within the splice consensus sequence. It has been identified in 3/66722 European chromosomes by the Exome Aggregation Consortium (ExAC; dbSNP rs374508659).

NM_001378454.1(ALMS1):c.12234A>G (p.Ala4078=)

Genes: ALMS1 (ALMS1 centrosome and basal body associated protein; plus strand), LOC126806252 (BRD4-independent group 4 enhancer GRCh37_chr2:73828496-73829695; plus strand). Cytogenetic location: 2p13.1.
Variant type: single nucleotide variant.
Coding change: c.12234A>G on transcript NM_001378454.1 (MANE Select); coding-DNA position 12234, A replaced by G.
Protein change: p.Ala4078=; no amino-acid change (alanine 4078 retained).
Molecular consequence: synonymous variant.
Genome position (GRCh38, 1-based): chr2:73,602,304, A>G. VCF-style: chr2-73602304-A-G. GRCh37 (hg19) VCF-style: chr2-73829431-A-G.
Other names: c.12231A>G (NM_015120.4); c.12237A>G, p.Ala4079= (NM_015120.4).
Identifiers: ClinVar variation 666651 (VCV000666651.18), dbSNP rs374508659, ClinGen allele CA1715490.